The following is an entry in ClinVar:

ClinVar aggregate classification (germline): Uncertain significance (1 of 4 stars; one submission).

Conditions:
Short stature-brachydactyly-obesity-global developmental delay syndrome. Also called: Short stature, brachydactyly, intellectual developmental disability, and seizures; SHORT STATURE, BRACHYDACTYLY, IMPAIRED INTELLECTUAL DEVELOPMENT, AND SEIZURES. Identifiers: Orphanet 464288, MedGen C4310689, MONDO:0014944, OMIM 617157.

Submission:

3billion
Classification: Uncertain significance for Short stature-brachydactyly-obesity-global developmental delay syndrome. Last evaluated: 2025-10-28. Review status: criteria provided, single submitter. Criteria: ACMG Guidelines, 2015. Collection method: clinical testing. Allele origin: germline. Affected: yes.
Comment: The variant is not observed in the gnomAD v4.1.0 dataset. Predicted Consequence/Location: Missense variant predicted to alter splicing In silico tools predict the variant to alter splicing and produce an abnormal transcript [SpliceAI: 0.96 (>=0.2, moderate evidence for spliceogenicity)]. Therefore, this variant is classified as VUS according to the recommendation of ACMG/AMP guideline.

NM_019023.5(PRMT7):c.746G>A (p.Ser249Asn)

Gene: PRMT7 (protein arginine methyltransferase 7; plus strand). Cytogenetic location: 16q22.1.
Variant type: single nucleotide variant.
Coding change: c.746G>A on transcript NM_019023.5 (MANE Select); coding-DNA position 746, G replaced by A.
Protein change: p.Ser249Asn; replaces serine 249 with asparagine.
Molecular consequence: missense variant. On other transcripts: non-coding transcript variant (12).
Genome position (GRCh38, 1-based): chr16:68,339,563, G>A. VCF-style: chr16-68339563-G-A. GRCh37 (hg19) VCF-style: chr16-68373466-G-A.
Other names: c.596G>A, p.Ser199Asn (NM_001184824.4); c.746G>A, p.Ser249Asn (NM_001290018.2, NM_001351143.3, NM_001351144.3 and 1 more transcripts); c.539G>A, p.Ser180Asn (NM_001378020.1); c.509G>A, p.Ser170Asn (NM_001378021.1, NM_001378022.1, NM_001378023.1); short protein forms S170N, S180N, S199N, S249N.
Identifiers: ClinVar variation 4854952 (VCV004854952.1).